The following is an entry in ClinVar:

NM_021922.3(FANCE):c.940C>T (p.Gln314Ter)

Gene: FANCE (FA complementation group E; plus strand). Cytogenetic location: 6p21.31.
Variant type: single nucleotide variant.
Coding change: c.940C>T on transcript NM_021922.3 (MANE Select); coding-DNA position 940, C replaced by T.
Protein change: p.Gln314Ter; replaces glutamine 314 with a stop codon.
Molecular consequence: nonsense.
Genome position (GRCh38, 1-based): chr6:35,457,955, C>T. VCF-style: chr6-35457955-C-T. GRCh37 (hg19) VCF-style: chr6-35425732-C-T.
Other names: short protein forms Q314*.
Identifiers: ClinVar variation 859286 (VCV000859286.6), dbSNP rs760150539, ClinGen allele CA3771540.

ClinVar aggregate classification (germline): Pathogenic/Likely pathogenic. Review status: criteria provided, multiple submitters, no conflicts (2 of 4 stars). 3 submissions from 3 submitters: Pathogenic (1); Likely pathogenic (2). Last evaluated 2025-06-19.

Conditions:
Fanconi anemia complementation group E (FANCE). Also called: FANCE-Related Fanconi Anemia. Identifiers: Orphanet 84, MedGen C3160739, MONDO:0010953, OMIM 600901.

Allele frequency attached by ClinVar (database versions not stated): gnomAD exomes below 0.00001 and 0.00001; ExAC 0.00001; gnomAD 0.00001; TOPMed 0.00001.

Submissions (3):

Revvity Omics, Revvity
Classification: Likely pathogenic for Fanconi anemia complementation group E. Last evaluated: 2025-06-19. Review status: criteria provided, single submitter. Criteria: ACMG Guidelines, 2015. Collection method: clinical testing. Allele origin: germline.

Baylor Genetics
Classification: Likely pathogenic for Fanconi anemia complementation group E. Last evaluated: 2023-11-15. Review status: criteria provided, single submitter. Criteria: ACMG Guidelines, 2015. Collection method: clinical testing. Allele origin: unknown.

Labcorp Genetics (formerly Invitae), Labcorp
Classification: Pathogenic for Fanconi anemia complementation group E. Last evaluated: 2020-01-15. Review status: criteria provided, single submitter. Criteria: Invitae Variant Classification Sherloc (09022015). Collection method: clinical testing. Allele origin: germline.
Comment: This sequence change creates a premature translational stop signal (p.Gln314*) in the FANCE gene. It is expected to result in an absent or disrupted protein product. The frequency data for this variant in the population databases is considered unreliable, as metrics indicate poor data quality at this position in the ExAC database. This variant has not been reported in the literature in individuals with FANCE-related conditions. Loss-of-function variants in FANCE are known to be pathogenic (PMID: 11001585, 17924555). For these reasons, this variant has been classified as Pathogenic.

Literature cited by the submitters: PubMed 11001585 (cited by Labcorp Genetics (formerly Invitae), Labcorp); PubMed 17924555 (cited by Labcorp Genetics (formerly Invitae), Labcorp).